The following is an entry in ClinVar:

NM_007294.4(BRCA1):c.5543A>T (p.Gln1848Leu)

Gene: BRCA1 (BRCA1 DNA repair associated; minus strand). Cytogenetic location: 17q21.31.
Variant type: single nucleotide variant.
Coding change: c.5543A>T on transcript NM_007294.4 (MANE Select); coding-DNA position 5543, A replaced by T.
Protein change: p.Gln1848Leu; replaces glutamine 1848 with leucine.
Molecular consequence: missense variant. On other transcripts: 3 prime UTR variant (1), non-coding transcript variant (1).
Genome position (GRCh38, 1-based): chr17:43,045,727, T>A on the plus strand (A>T on the coding strand, the complement: BRCA1 is on the minus strand). VCF-style: chr17-43045727-T-A. GRCh37 (hg19) VCF-style: chr17-41197744-T-A.
Other names: c.5279A>T, p.Gln1760Leu (NM_001407920.1, NM_001407921.1, NM_001407922.1 and 4 more transcripts); c.5276A>T, p.Gln1759Leu (NM_001407927.1, NM_001407928.1, NM_001407929.1 and 4 more transcripts); c.5159A>T, p.Gln1720Leu (NM_001407960.1, NM_001407962.1); c.5156A>T, p.Gln1719Leu (NM_001407963.1); c.5081A>T, p.Gln1694Leu (NM_001407964.1); c.5036A>T, p.Gln1679Leu (NM_001407965.1); c.4655A>T, p.Gln1552Leu (NM_001407966.1); c.4652A>T, p.Gln1551Leu (NM_001407967.1); and 74 more; short protein forms Q744L, Q1848L, Q1869L, Q1801L, Q1551L, Q1737L, Q1807L, Q1821L.
Identifiers: ClinVar variation 869024 (VCV000869024.3), dbSNP rs2050865445, ClinGen allele CA10590236.

Conditions:
Breast-ovarian cancer, familial, susceptibility to, 1 (BROVCA1). Also called: BRCA1 Hereditary Breast and Ovarian Cancer; OVARIAN CANCER, SUSCEPTIBILITY TO. Identifiers: Orphanet 145, MedGen C2676676, MONDO:0011450, OMIM 604370. Disease mechanism: loss of function.

Submission:

Brotman Baty Institute, University of Washington
No classification provided (evidence only). Condition: Breast-ovarian cancer, familial 1. Review status: no classification provided. Collection method: in vitro. Allele origin: not applicable. Functional consequence: functionally_normal.
ClinVar note: "not provided" was previously submitted as the classification for the variant. However, the classification appeared to be based only on an observation of functional data so it was converted to no classification on 2025-07-30.